The following is an entry in ClinVar:

NM_000093.5(COL5A1):c.962C>T (p.Pro321Leu)

Gene: COL5A1 (collagen type V alpha 1 chain; plus strand). Cytogenetic location: 9q34.3.
Variant type: single nucleotide variant.
Coding change: c.962C>T on transcript NM_000093.5 (MANE Select); coding-DNA position 962, C replaced by T.
Protein change: p.Pro321Leu; replaces proline 321 with leucine.
Molecular consequence: missense variant.
Genome position (GRCh38, 1-based): chr9:134,730,273, C>T. VCF-style: chr9-134730273-C-T. GRCh37 (hg19) VCF-style: chr9-137622119-C-T.
Other names: c.962C>T, p.Pro321Leu (NM_001278074.1); short protein forms P321L.
Identifiers: ClinVar variation 426799 (VCV000426799.2), dbSNP rs1085307805, ClinGen allele CA375449165.

ClinVar aggregate classification (germline): Uncertain significance (1 of 4 stars; one submission).

Allele frequency attached by ClinVar (database versions not stated): gnomAD 0.00001 and 0.00003; TOPMed 0.00001.

Submission:

GeneDx
Classification: Uncertain significance. Last evaluated: 2018-05-21. Review status: criteria provided, single submitter. Criteria: GeneDx Variant Classification (06012015). Collection method: clinical testing. Allele origin: germline. Affected: yes.
Comment: The P321L variant in the COL5A1 gene has not been reported previously as a pathogenic variant, nor as a benign variant, to our knowledge. This variant is not observed in large population cohorts (Lek et al., 2016; 1000 Genomes Consortium et al., 2015; Exome Variant Server). The P321L variant is a semi-conservative amino acid substitution, which may impact secondary protein structure as these residues differ in some properties. This substitution occurs at a position that is not conserved. In silico analysis is inconsistent in its predictions as to whether or not the variant is damaging to the protein structure/function. We interpret P321L as a variant of uncertain significance.